The following is an entry in ClinVar:

ClinVar aggregate classification (germline): Likely pathogenic (1 of 4 stars; one submission).

Conditions:
Fetal akinesia-cerebral and retinal hemorrhage syndrome. Also called: Lethal congenital contracture syndrome 5; MYOPATHY, CENTRONUCLEAR, LETHAL, AUTOSOMAL RECESSIVE. Identifiers: Orphanet 363409, MedGen C4706410, MONDO:0014149, OMIM 615368.

Submission:

First Genomix Gene Laboratory, Genetic Diagnostics Department
Classification: Likely pathogenic for Fetal akinesia-cerebral and retinal hemorrhage syndrome. Last evaluated: 2025-09-03. Review status: criteria provided, single submitter. Criteria: ACMG Guidelines, 2015. Collection method: clinical testing. Allele origin: germline. Inheritance: Autosomal recessive inheritance. Affected: no. Observed: 1 variant allele.

NM_001005361.3(DNM2):c.1850A>C (p.Lys617Thr)

Gene: DNM2 (dynamin 2; plus strand). Cytogenetic location: 19p13.2.
Variant type: single nucleotide variant.
Coding change: c.1850A>C on transcript NM_001005361.3 (MANE Select); coding-DNA position 1850, A replaced by C.
Protein change: p.Lys617Thr; replaces lysine 617 with threonine.
Molecular consequence: missense variant.
Genome position (GRCh38, 1-based): chr19:10,823,856, A>C. VCF-style: chr19-10823856-A-C. GRCh37 (hg19) VCF-style: chr19-10934532-A-C.
Other names: c.1850A>C, p.Lys617Thr (NM_001005360.3, NM_001190716.2); c.1838A>C, p.Lys613Thr (NM_001005362.3, NM_004945.4); short protein forms K613T, K617T.
Identifiers: ClinVar variation 4850276 (VCV004850276.1).